The following is an entry in ClinVar:

ClinVar aggregate classification (germline): Likely benign (1 of 4 stars; one submission).

Submission:

CeGaT Center for Human Genetics Tuebingen
Classification: Likely benign. Last evaluated: 2024-07-01. Review status: criteria provided, single submitter. Criteria: CeGaT Center For Human Genetics Tuebingen Variant Classification Criteria Version 2. Collection method: clinical testing. Allele origin: germline. Affected: yes. Observed: 1 variant allele.
Comment: ATAD3A: PM2:Supporting, BP4, BP7

NM_001170535.3(ATAD3A):c.1197C>G (p.Ala399=)

Gene: ATAD3A (ATPase family AAA domain containing 3A; plus strand). Cytogenetic location: 1p36.33.
Variant type: single nucleotide variant.
Coding change: c.1197C>G on transcript NM_001170535.3 (MANE Select); coding-DNA position 1197, C replaced by G.
Protein change: p.Ala399=; no amino-acid change (alanine 399 retained).
Molecular consequence: synonymous variant.
Genome position (GRCh38, 1-based): chr1:1,524,380, C>G. VCF-style: chr1-1524380-C-G. GRCh37 (hg19) VCF-style: chr1-1459760-C-G.
Other names: c.960C>G, p.Ala320= (NM_001170536.3); c.1341C>G, p.Ala447= (NM_018188.5).
Identifiers: ClinVar variation 3257389 (VCV003257389.17).